The following is an entry in ClinVar:

ClinVar aggregate classification (germline): Benign/Likely benign. Review status: criteria provided, multiple submitters, no conflicts (2 of 4 stars). 3 submissions from 3 submitters: Benign (1); Likely benign (1). 1 of the submissions does not count toward it. Last evaluated 2023-12-01.

Conditions:
Thrombocytopenia. Identifiers: MedGen C0040034, MeSH D013921, MONDO:0002049, HP:0001873.
MASTL-related disorder. Also called: MASTL-related condition.

Allele frequency attached by ClinVar (database versions not stated): gnomAD exomes 0.00012 and 0.00031; 1000 Genomes Project 0.00040; ExAC 0.00041; 1000 Genomes Project 30x 0.00078; gnomAD 0.00142 and 0.00151; TOPMed 0.00152; ESP Exome Variant Server 0.00231.
gnomAD v4.1: 396 of 1,614,072 alleles (0.025%); highest among the groups gnomAD compares: African/African-American, 0.46%; 2 homozygotes.

Submissions (3):

Blueprint Genetics
Classification: Likely benign. Last evaluated: 2023-12-01. Review status: criteria provided, single submitter. Criteria: ACMG Guidelines, 2015. Collection method: clinical testing. Allele origin: germline.

Illumina Laboratory Services, Illumina
Classification: Benign for Thrombocytopenia. Last evaluated: 2018-01-13. Review status: criteria provided, single submitter. Criteria: ICSL Variant Classification Criteria 13 December 2019. Collection method: clinical testing. Allele origin: germline.
Comment: This variant was observed in the ICSL laboratory as part of a predisposition screen in an ostensibly healthy population. It had not been previously curated by ICSL or reported in the Human Gene Mutation Database (HGMD: prior to June 1st, 2018), and was therefore a candidate for classification through an automated scoring system. Utilizing variant allele frequency, disease prevalence and penetrance estimates, and inheritance mode, an automated score was calculated to assess if this variant is too frequent to cause the disease. Based on the score and internal cut-off values, a variant classified as benign is not then subjected to further curation. The score for this variant resulted in a classification of benign for this disease.

PreventionGenetics, part of Exact Sciences
Classification: Likely benign for MASTL-related condition. Last evaluated: 2019-04-16. Review status: no assertion criteria provided. Collection method: clinical testing. Allele origin: germline. Not counted in ClinVar's aggregate classification.
Comment: This variant is classified as likely benign based on ACMG/AMP sequence variant interpretation guidelines (Richards et al. 2015 PMID: 25741868, with internal and published modifications).

NM_001172303.3(MASTL):c.1045G>A (p.Ala349Thr)

Gene: MASTL (microtubule associated serine/threonine kinase like; plus strand). Cytogenetic location: 10p12.1.
Variant type: single nucleotide variant.
Coding change: c.1045G>A on transcript NM_001172303.3 (MANE Select); coding-DNA position 1045, G replaced by A.
Protein change: p.Ala349Thr; replaces alanine 349 with threonine.
Molecular consequence: missense variant. On other transcripts: non-coding transcript variant (1).
Genome position (GRCh38, 1-based): chr10:27,170,004, G>A. VCF-style: chr10-27170004-G-A. GRCh37 (hg19) VCF-style: chr10-27458933-G-A.
Other names: c.1045G>A, p.Ala349Thr (NM_001172304.3, NM_001320756.2, NM_001320757.2 and 1 more transcripts); c.562G>A, p.Ala188Thr (NM_001372029.1, NM_001372030.1); c.1045G>A (NM_032844.4); short protein forms A188T, A349T.
Identifiers: ClinVar variation 878462 (VCV000878462.7), dbSNP rs146165894, ClinGen allele CA5450146.